The following is an entry in ClinVar:

ClinVar aggregate classification (germline): Likely pathogenic (1 of 4 stars; one submission).

Conditions:
X-linked Alport syndrome (ATS1). Also called: COL4A5-Related Nephropathy; NEPHROPATHY AND DEAFNESS, X-LINKED. Identifiers: Orphanet 63, Orphanet 88917, MedGen C4746986, MONDO:0010520, OMIM 301050.

Submission:

Myriad Genetics, Inc.
Classification: Likely pathogenic for X-linked Alport syndrome. Last evaluated: 2022-02-11. Review status: criteria provided, single submitter. Criteria: Myriad Women's Health Autosomal Recessive and X-Linked Classification Criteria (2021). Collection method: clinical testing. Allele origin: unknown.
Comment: NM_000495.4(COL4A5):c.367G>T(G123*) is expected to be pathogenic in the context of X-linked Alport syndrome. This variant is predicted to lead to an abnormal or absent protein product due to the creation of a premature termination codon in COL4A5, a gene where loss-of-function variants are known to be pathogenic. Please note: this variant was assessed in the context of healthy population screening.

NM_033380.3(COL4A5):c.367G>T (p.Gly123Ter)

Gene: COL4A5 (collagen type IV alpha 5 chain; plus strand). Cytogenetic location: Xq22.3.
Variant type: single nucleotide variant.
Coding change: c.367G>T on transcript NM_033380.3 (MANE Select); coding-DNA position 367, G replaced by T.
Protein change: p.Gly123Ter; replaces glycine 123 with a stop codon.
Molecular consequence: nonsense.
Genome position (GRCh38, 1-based): chrX:108,568,804, G>T. VCF-style: chrX-108568804-G-T. GRCh37 (hg19) VCF-style: chrX-107812034-G-T.
Other names: c.367G>T, p.Gly123Ter (NM_000495.5); short protein forms G123*.
Identifiers: ClinVar variation 1724363 (VCV001724363.2), dbSNP rs1569488426, ClinGen allele CA413918487.